The following is an entry in ClinVar:

NM_018082.6(POLR3B):c.3310C>G (p.Leu1104Val)

Genes: POLR3B (RNA polymerase III subunit B; plus strand), RFX4-AS1 (RFX4 antisense RNA 1; minus strand). Cytogenetic location: 12q23.3.
Variant type: single nucleotide variant.
Coding change: c.3310C>G on transcript NM_018082.6 (MANE Select); coding-DNA position 3310, C replaced by G.
Protein change: p.Leu1104Val; replaces leucine 1104 with valine.
Molecular consequence: missense variant.
Genome position (GRCh38, 1-based): chr12:106,509,457, C>G. VCF-style: chr12-106509457-C-G. GRCh37 (hg19) VCF-style: chr12-106903235-C-G.
Other names: c.3136C>G, p.Leu1046Val (NM_001160708.2); short protein forms L1046V, L1104V.
Identifiers: ClinVar variation 2430938 (VCV002430938.2), dbSNP rs2542265523, ClinGen allele CA386394589.

ClinVar aggregate classification (germline): Uncertain significance (1 of 4 stars; one submission).

Submission:

GeneDx
Classification: Uncertain significance. Last evaluated: 2025-05-14. Review status: criteria provided, single submitter. Criteria: GeneDx Variant Classification Process June 2021. Collection method: clinical testing. Allele origin: germline.
Comment: Not observed at significant frequency in large population cohorts (gnomAD); In silico analysis suggests that this missense variant does not alter protein structure/function; Has not been previously published as pathogenic or benign to our knowledge